The following is an entry in ClinVar:

ClinVar aggregate classification (germline): Uncertain significance (1 of 4 stars; one submission).

Conditions:
Hereditary nonpolyposis colorectal neoplasms. Identifiers: MedGen C0009405, MeSH D003123.

Submission:

Labcorp Genetics (formerly Invitae), Labcorp
Classification: Uncertain significance for Hereditary nonpolyposis colorectal neoplasms. Last evaluated: 2024-12-03. Review status: criteria provided, single submitter. Criteria: Invitae Variant Classification Sherloc (09022015). Collection method: clinical testing. Allele origin: germline.
Comment: This sequence change replaces methionine, which is neutral and non-polar, with isoleucine, which is neutral and non-polar, at codon 499 of the MSH6 protein (p.Met499Ile). This variant is not present in population databases (gnomAD no frequency). This variant has not been reported in the literature in individuals affected with MSH6-related conditions. Invitae Evidence Modeling of protein sequence and biophysical properties (such as structural, functional, and spatial information, amino acid conservation, physicochemical variation, residue mobility, and thermodynamic stability) indicates that this missense variant is not expected to disrupt MSH6 protein function with a negative predictive value of 95%. In summary, the available evidence is currently insufficient to determine the role of this variant in disease. Therefore, it has been classified as a Variant of Uncertain Significance.

NM_000179.3(MSH6):c.1497G>A (p.Met499Ile)

Gene: MSH6 (mutS homolog 6; plus strand). Cytogenetic location: 2p16.3.
Variant type: single nucleotide variant.
Coding change: c.1497G>A on transcript NM_000179.3 (MANE Select); coding-DNA position 1497, G replaced by A.
Protein change: p.Met499Ile; replaces methionine 499 with isoleucine.
Molecular consequence: missense variant. On other transcripts: non-coding transcript variant (4), intron variant (1).
Genome position (GRCh38, 1-based): chr2:47,799,480, G>A. VCF-style: chr2-47799480-G-A. GRCh37 (hg19) VCF-style: chr2-48026619-G-A.
Other names: c.1497G>A, p.Met499Ile (NM_001406809.1, NM_001406817.1, NM_001406796.1 and 4 more transcripts); c.591G>A, p.Met197Ile (NM_001406811.1, NM_001406812.1, NM_001406814.1 and 6 more transcripts); c.1503G>A, p.Met501Ile (NM_001406813.1); c.1200G>A, p.Met400Ile (NM_001406818.1, NM_001406819.1, NM_001406797.1 and 10 more transcripts); c.1107G>A, p.Met369Ile (NM_001281492.2); c.1593G>A, p.Met531Ile (NM_001406795.1, NM_001406802.1); c.972G>A, p.Met324Ile (NM_001406799.1, NM_001406806.1, NM_001406807.1); c.1419G>A, p.Met473Ile (NM_001406804.1); and 2 more; short protein forms M197I, M324I, M369I, M400I, M443I, M473I, M499I, M501I.
Identifiers: ClinVar variation 3629314 (VCV003629314.2).
Genomic context (GRCh38, chr2:47,799,480, plus strand): 5'-AGTAGCACGAGTGGAACAGACTGAGACTCCAGAAATGATGGAGGCACGATGTAGAAAGAT[G>A]GCACATATATCCAAGTATGATAGAGTGGTGAGGAGGGAGATCTGTAGGATCATTACCAAG-3'
Protein context (NP_000170.1, residues 489-509): PEMMEARCRK[Met499Ile]AHISKYDRVV